The following is an entry in ClinVar:

ClinVar aggregate classification (germline): Uncertain significance (1 of 4 stars; one submission).

Conditions:
Hereditary spastic paraplegia 47. Also called: Spastic paraplegia 47, autosomal recessive; adaptor protein 4 (AP-4) deficiency syndrome; CEREBRAL PALSY, SPASTIC QUADRIPLEGIC, 5. Identifiers: Orphanet 280763, MedGen C3279738, MONDO:0013551, OMIM 614066.

Allele frequency attached by ClinVar (database versions not stated): ExAC 0.00002; gnomAD 0.00002; gnomAD exomes 0.00002; TOPMed 0.00003; 1000 Genomes Project 0.00020; 1000 Genomes Project 30x 0.00031.

Submission:

Labcorp Genetics (formerly Invitae), Labcorp
Classification: Uncertain significance for Hereditary spastic paraplegia 47. Last evaluated: 2022-07-22. Review status: criteria provided, single submitter. Criteria: Invitae Variant Classification Sherloc (09022015). Collection method: clinical testing. Allele origin: germline.
Comment: This sequence change replaces alanine, which is neutral and non-polar, with threonine, which is neutral and polar, at codon 596 of the AP4B1 protein (p.Ala596Thr). This variant is present in population databases (rs190617142, gnomAD 0.006%). This variant has not been reported in the literature in individuals affected with AP4B1-related conditions. Algorithms developed to predict the effect of missense changes on protein structure and function output the following: SIFT: "Tolerated"; PolyPhen-2: "Benign"; Align-GVGD: "Class C0". The threonine amino acid residue is found in multiple mammalian species, which suggests that this missense change does not adversely affect protein function. In summary, the available evidence is currently insufficient to determine the role of this variant in disease. Therefore, it has been classified as a Variant of Uncertain Significance.

NM_001253852.3(AP4B1):c.1786G>A (p.Ala596Thr)

Genes: AP4B1 (adaptor related protein complex 4 subunit beta 1; minus strand), AP4B1-AS1 (AP4B1 antisense RNA 1; plus strand). Cytogenetic location: 1p13.2.
Variant type: single nucleotide variant.
Coding change: c.1786G>A on transcript NM_001253852.3 (MANE Select); coding-DNA position 1786, G replaced by A.
Protein change: p.Ala596Thr; replaces alanine 596 with threonine.
Molecular consequence: missense variant.
Genome position (GRCh38, 1-based): chr1:113,895,763, C>T on the plus strand (G>A on the coding strand, the complement: AP4B1 is on the minus strand). VCF-style: chr1-113895763-C-T. GRCh37 (hg19) VCF-style: chr1-114438385-C-T.
Other names: c.1489G>A, p.Ala497Thr (NM_001253853.3); c.1282G>A, p.Ala428Thr (NM_001308312.2); c.1786G>A, p.Ala596Thr (NM_006594.5); short protein forms A428T, A497T, A596T.
Identifiers: ClinVar variation 2055700 (VCV002055700.2), dbSNP rs190617142, ClinGen allele CA1015722.